The following is an entry in ClinVar:

NM_002381.5(MATN3):c.886A>T (p.Thr296Ser)

Genes: MATN3 (matrilin 3; minus strand), WDR35-DT (WDR35 divergent transcript; plus strand). Cytogenetic location: 2p24.1.
Variant type: single nucleotide variant.
Coding change: c.886A>T on transcript NM_002381.5 (MANE Select); coding-DNA position 886, A replaced by T.
Protein change: p.Thr296Ser; replaces threonine 296 with serine.
Molecular consequence: missense variant.
Genome position (GRCh38, 1-based): chr2:20,003,191, T>A on the plus strand (A>T on the coding strand, the complement: MATN3 is on the minus strand). VCF-style: chr2-20003191-T-A. GRCh37 (hg19) VCF-style: chr2-20202952-T-A.
Other names: short protein forms T296S.
Identifiers: ClinVar variation 1714237 (VCV001714237.5), dbSNP rs28680184, ClinGen allele CA345950120.
Genomic context (GRCh38, chr2:20,003,191, plus strand): 5'-TTCAGTCACGGCCCCCTACACAGGCCTCACCTGAACACGTTTTCTTGTCGGCATTCAAGG[T>A]GTATCCTTGGCTACACTCACAGTGGTGCTTGCCTTCCCCATCACTGATGCAGACGTGCTG-3'
Protein context (NP_002372.1, residues 286-306): KHHCECSQGY[Thr296Ser]LNADKKTCSA

ClinVar aggregate classification (germline): Uncertain significance (1 of 4 stars; one submission).

Submission:

Labcorp Genetics (formerly Invitae), Labcorp
Classification: Uncertain significance. Last evaluated: 2022-08-02. Review status: criteria provided, single submitter. Criteria: Invitae Variant Classification Sherloc (09022015). Collection method: clinical testing. Allele origin: germline.
Comment: In summary, the available evidence is currently insufficient to determine the role of this variant in disease. Therefore, it has been classified as a Variant of Uncertain Significance. Algorithms developed to predict the effect of missense changes on protein structure and function output the following: SIFT: "Tolerated"; PolyPhen-2: "Benign"; Align-GVGD: "Class C0". The serine amino acid residue is found in multiple mammalian species, which suggests that this missense change does not adversely affect protein function. This variant has not been reported in the literature in individuals affected with MATN3-related conditions. This variant is not present in population databases (gnomAD no frequency). This sequence change replaces threonine, which is neutral and polar, with serine, which is neutral and polar, at codon 296 of the MATN3 protein (p.Thr296Ser).